The following is an entry in ClinVar:

NM_031955.6(SPATA16):c.787C>T (p.Arg263Trp)

Gene: SPATA16 (spermatogenesis associated 16; minus strand). Cytogenetic location: 3q26.31.
Variant type: single nucleotide variant.
Coding change: c.787C>T on transcript NM_031955.6 (MANE Select); coding-DNA position 787, C replaced by T.
Protein change: p.Arg263Trp; replaces arginine 263 with tryptophan.
Molecular consequence: missense variant.
Genome position (GRCh38, 1-based): chr3:173,019,547, G>A on the plus strand (C>T on the coding strand, the complement: SPATA16 is on the minus strand). VCF-style: chr3-173019547-G-A. GRCh37 (hg19) VCF-style: chr3-172737337-G-A.
Other names: short protein forms R263W.
Identifiers: ClinVar variation 3382955 (VCV003382955.2).

ClinVar aggregate classification (germline): Uncertain significance (1 of 4 stars; one submission).

Conditions:
Spermatogenic failure 6 (SPGF6). Also called: ACROSOME MALFORMATION OF SPERMATOZOA; ROUND-HEADED SPERMATOZOA. Identifiers: Orphanet 171709, MedGen C4225503, MONDO:0007060, OMIM 102530.

Submission:

Juno Genomics, Hangzhou Juno Genomics, Inc
Classification: Uncertain significance for Spermatogenic failure 6. Review status: criteria provided, single submitter. Criteria: ACMG Guidelines, 2015. Collection method: clinical testing. Allele origin: germline. Affected: yes.
Comment: Absent from controls (or at extremely low frequency if recessive) in Genome Aggregation Database, Exome Sequencing Project, 1000 Genomes Project, or Exome Aggregation Consortium.;For recessive disorders, detected in trans with a pathogenic variant.;Patient's phenotype or family history is highly specific for a disease with a single genetic etiology.